The following is an entry in ClinVar:

NM_000435.3(NOTCH3):c.3327+11G>A

Gene: NOTCH3 (notch receptor 3; minus strand). Cytogenetic location: 19p13.12.
Variant type: single nucleotide variant.
Coding change: c.3327+11G>A on transcript NM_000435.3 (MANE Select); 11 bases into the intron after coding-DNA position 3327, G replaced by A.
Molecular consequence: intron variant.
Genome position (GRCh38, 1-based): chr19:15,180,061, C>T on the plus strand (G>A on the coding strand, the complement: NOTCH3 is on the minus strand). VCF-style: chr19-15180061-C-T. GRCh37 (hg19) VCF-style: chr19-15290872-C-T.
Identifiers: ClinVar variation 890830 (VCV000890830.11), dbSNP rs777978969, ClinGen allele CA9263128.

ClinVar aggregate classification (germline): Benign. Review status: criteria provided, multiple submitters, no conflicts (2 of 4 stars). 2 submissions from 2 submitters: Benign (2). Last evaluated 2021-09-18.

Conditions:
Cerebral arteriopathy, autosomal dominant, with subcortical infarcts and leukoencephalopathy, type 1 (CADASIL1). Also called: CASIL; Cerebral arteriopathy with subcortical infarcts and leukoencephalopathy 1; CADASIL 1; DEMENTIA, HEREDITARY MULTIINFARCT TYPE. Identifiers: Orphanet 136, MedGen C4551768, MONDO:0000914, OMIM 125310.

Allele frequency attached by ClinVar (database versions not stated): gnomAD 0.00001; gnomAD exomes 0.00005 and 0.00011; TOPMed 0.00005; ExAC 0.00011.

Submissions (2):

Labcorp Genetics (formerly Invitae), Labcorp
Classification: Benign. Last evaluated: 2021-09-18. Review status: criteria provided, single submitter. Criteria: Invitae Variant Classification Sherloc (09022015). Collection method: clinical testing. Allele origin: germline.

Illumina Laboratory Services, Illumina
Classification: Benign for Cerebral arteriopathy, autosomal dominant, with subcortical infarcts and leukoencephalopathy, type 1. Last evaluated: 2018-01-13. Review status: criteria provided, single submitter. Criteria: ICSL Variant Classification Criteria 13 December 2019. Collection method: clinical testing. Allele origin: germline.
Comment: This variant was observed in the ICSL laboratory as part of a predisposition screen in an ostensibly healthy population. It had not been previously curated by ICSL or reported in the Human Gene Mutation Database (HGMD: prior to June 1st, 2018), and was therefore a candidate for classification through an automated scoring system. Utilizing variant allele frequency, disease prevalence and penetrance estimates, and inheritance mode, an automated score was calculated to assess if this variant is too frequent to cause the disease. Based on the score and internal cut-off values, a variant classified as benign is not then subjected to further curation. The score for this variant resulted in a classification of benign for this disease.